The following is an entry in ClinVar:

ClinVar aggregate classification (germline): Likely benign (1 of 4 stars; one submission).

Submission:

CeGaT Center for Human Genetics Tuebingen
Classification: Likely benign. Last evaluated: 2025-01-01. Review status: criteria provided, single submitter. Criteria: CeGaT Center For Human Genetics Tuebingen Variant Classification Criteria Version 2. Collection method: clinical testing. Allele origin: germline. Affected: yes. Observed: 2 variant alleles.
Comment: MUC5B: BP4, BS1

NM_002458.3(MUC5B):c.11659C>A (p.Pro3887Thr)

Genes: MUC5B (mucin 5B, oligomeric mucus/gel-forming; plus strand), MUC5B-AS1 (MUC5B antisense RNA 1; minus strand). Cytogenetic location: 11p15.5.
Variant type: single nucleotide variant.
Coding change: c.11659C>A on transcript NM_002458.3 (MANE Select); coding-DNA position 11659, C replaced by A.
Protein change: p.Pro3887Thr; replaces proline 3887 with threonine.
Molecular consequence: missense variant.
Genome position (GRCh38, 1-based): chr11:1,248,539, C>A. VCF-style: chr11-1248539-C-A. GRCh37 (hg19) VCF-style: chr11-1269769-C-A.
Other names: short protein forms P3887T.
Identifiers: ClinVar variation 3388040 (VCV003388040.14).